The following is an entry in ClinVar:

NM_001374736.1(DST):c.5692C>T (p.Gln1898Ter)

Gene: DST (dystonin; minus strand). Cytogenetic location: 6p12.1.
Variant type: single nucleotide variant.
Coding change: c.5692C>T on transcript NM_001374736.1 (MANE Select); coding-DNA position 5692, C replaced by T.
Protein change: p.Gln1898Ter; replaces glutamine 1898 with a stop codon.
Molecular consequence: nonsense. On other transcripts: intron variant (6).
Genome position (GRCh38, 1-based): chr6:56,608,936, G>A on the plus strand (C>T on the coding strand, the complement: DST is on the minus strand). VCF-style: chr6-56608936-G-A. GRCh37 (hg19) VCF-style: chr6-56473734-G-A.
Other names: c.5692C>T, p.Gln1898Ter (NM_001374722.1); c.5059C>T, p.Gln1687Ter (NM_001374729.1); c.5719C>T, p.Gln1907Ter (NM_001374734.1); c.5184+1491C>T (NM_001144769.5); c.4770+1491C>T (NM_001144770.2); c.4650+1491C>T (NM_001374730.1, NM_001386100.1, NM_183380.4); c.3672+1491C>T (NM_015548.5); short protein forms Q1687*, Q1898*, Q1907*.
Identifiers: ClinVar variation 3362859 (VCV003362859.3).

ClinVar aggregate classification (germline): Likely pathogenic (1 of 4 stars; one submission).

Conditions:
Hereditary sensory and autonomic neuropathy type 6. Also called: Neuropathy, hereditary sensory and autonomic, type VI; HSAN VI. Identifiers: Orphanet 314381, MedGen C3539003, MONDO:0013839, OMIM 614653.

Submission:

Neuberg Centre For Genomic Medicine, NCGM
Classification: Likely pathogenic for Hereditary sensory and autonomic neuropathy type 6. Review status: criteria provided, single submitter. Criteria: ACMG Guidelines, 2015. Collection method: clinical testing. Allele origin: germline. Inheritance: Autosomal recessive inheritance. Affected: yes.
Comment: The observed stop gained c.5692C>T(p.Gln1898Ter) variant in DST gene has mot been reported previously as a pathogenic variant nor a benign variant, to our knowledge. The c.5692C>T variant is absent in gnomAD Exomes. This variant has not been submitted to the ClinVar database. The nucleotide change c.5692C>T in DST is predicted as conserved by GERP++ and PhyloP across 100 vertebrates. This sequence change creates a premature translational stop signal (p.Gln1898Ter) in the DST gene. This variant is predicted to cause loss of normal protein function through protein truncation. Loss of function variants have been previously reported to be disease causing. For these reasons, this variant has been classified as Likely Pathogenic.